The following is an entry in ClinVar:

NM_182961.4(SYNE1):c.14955+4G>C

Gene: SYNE1 (spectrin repeat containing nuclear envelope protein 1; minus strand). Cytogenetic location: 6q25.2.
Variant type: single nucleotide variant.
Coding change: c.14955+4G>C on transcript NM_182961.4 (MANE Select); 4 bases into the intron after coding-DNA position 14955, G replaced by C.
Molecular consequence: intron variant.
Genome position (GRCh38, 1-based): chr6:152,329,726, C>G on the plus strand (G>C on the coding strand, the complement: SYNE1 is on the minus strand). VCF-style: chr6-152329726-C-G. GRCh37 (hg19) VCF-style: chr6-152650861-C-G.
Other names: c.14742+4G>C (NM_033071.3, NM_033071.5).
Identifiers: ClinVar variation 499044 (VCV000499044.7), dbSNP rs535755402, ClinGen allele CA4055912.
Genomic context (GRCh38, chr6:152,329,726, plus strand): 5'-TTCTTGTACCTGTTTACAAATAAGCAGAGTGGAAAAAAGAGAAGTGAAGTCCTATTATAC[C>G]CACCTGTCTGGTGCGTAAGGCTTCCTGGATGTCTCCATCCAGCTCTGAGAGCTCAGCGAG-3'

ClinVar aggregate classification (germline): Conflicting classifications of pathogenicity. Review status: criteria provided, conflicting classifications (1 of 4 stars). 3 submissions from 3 submitters: Uncertain significance (1); Likely benign (1). 1 of the submissions does not count toward it. Last evaluated 2025-06-05.

Conditions:
SYNE1-related disorder. Also called: SYNE1-related disorders; SYNE1-related disease; SYNE1-related condition.
Emery-Dreifuss muscular dystrophy 4, autosomal dominant (EDMD4). Also called: EMERY-DREIFUSS MUSCULAR DYSTROPHY 4 WITH VARIABLE FEATURES. Identifiers: Orphanet 261, MedGen C2751807, MONDO:0013071, OMIM 612998.
Autosomal recessive ataxia, Beauce type. Also called: SYNE1 Deficiency; Spinocerebellar ataxia, autosomal recessive 8; ATAXIA, RECESSIVE, OF BEAUCE; SYNE1-Related Autosomal Recessive Cerebellar Ataxia. Identifiers: Orphanet 88644, MedGen C1853116, MONDO:0012549, OMIM 610743.

Allele frequency attached by ClinVar (database versions not stated): 1000 Genomes Project 30x 0.00047; 1000 Genomes Project 0.00060; gnomAD exomes 0.00011 and 0.00025; ExAC 0.00031; gnomAD below 0.00001 and 0.00005; TOPMed below 0.00001.
gnomAD v4.1: 174 of 1,613,996 alleles (0.011%); highest among the groups gnomAD compares: South Asian, 0.18%; no homozygotes.

Submissions (3):

Labcorp Genetics (formerly Invitae), Labcorp
Classification: Likely benign for Emery-Dreifuss muscular dystrophy 4, autosomal dominant; Autosomal recessive ataxia, Beauce type. Last evaluated: 2025-06-05. Review status: criteria provided, single submitter. Criteria: Invitae Variant Classification Sherloc (09022015). Collection method: clinical testing. Allele origin: germline.

Eurofins Ntd Llc (ga)
Classification: Uncertain significance. Last evaluated: 2016-12-27. Review status: criteria provided, single submitter. Criteria: EGL Classification Definitions 2015. Collection method: clinical testing. Allele origin: germline. Observed: 1 variant allele, 1 heterozygote.

PreventionGenetics, part of Exact Sciences
Classification: Likely benign for SYNE1-related condition. Last evaluated: 2024-06-27. Review status: no assertion criteria provided. Collection method: clinical testing. Allele origin: germline. Not counted in ClinVar's aggregate classification.
Comment: This variant is classified as likely benign based on ACMG/AMP sequence variant interpretation guidelines (Richards et al. 2015 PMID: 25741868, with internal and published modifications).